The following is an entry in ClinVar:

ClinVar aggregate classification (germline): Benign (1 of 4 stars; one submission).

gnomAD v4.1: 275,711 of 1,612,378 alleles (17%); highest among the groups gnomAD compares: Non-Finnish European, 18%; 24,632 homozygotes.

Submission:

Molecular Diagnostic Laboratory for Inherited Cardiovascular Disease, Montreal Heart Institute
Classification: Benign. Last evaluated: 2026-09-21. Review status: criteria provided, single submitter. Criteria: ACMG Guidelines, 2015. Collection method: clinical testing. Allele origin: germline. Affected: no.
Comment: BA1

NM_000384.3(APOB):c.11903+50G>C

Gene: APOB (apolipoprotein B; minus strand). Cytogenetic location: 2p24.1.
Variant type: single nucleotide variant.
Coding change: c.11903+50G>C on transcript NM_000384.3 (MANE Select); 50 bases into the intron after coding-DNA position 11903, G replaced by C.
Molecular consequence: intron variant.
Genome position (GRCh38, 1-based): chr2:21,004,511, C>G on the plus strand (G>C on the coding strand, the complement: APOB is on the minus strand). VCF-style: chr2-21004511-C-G. GRCh37 (hg19) VCF-style: chr2-21227383-C-G.
Identifiers: ClinVar variation 5037880 (VCV005037880.1), dbSNP rs1800479.